The following is an entry in ClinVar:

ClinVar aggregate classification (germline): Likely benign (1 of 4 stars; one submission).

Allele frequency attached by ClinVar (database versions not stated): gnomAD exomes below 0.00001 and 0.00001.
gnomAD v4.1: 2 of 1,135,317 alleles (0.00018%); highest among the groups gnomAD compares: Non-Finnish European, 0.00024%; no homozygotes.

Submission:

GeneDx
Classification: Likely benign. Last evaluated: 2018-05-18. Review status: criteria provided, single submitter. Criteria: GeneDx Variant Classification (06012015). Collection method: clinical testing. Allele origin: germline. Affected: yes.
Comment: This variant is considered likely benign or benign based on one or more of the following criteria: it is a conservative change, it occurs at a poorly conserved position in the protein, it is predicted to be benign by multiple in silico algorithms, and/or has population frequency not consistent with disease.

NM_004006.3(DMD):c.10394+17T>C

Gene: DMD (dystrophin; minus strand). Cytogenetic location: Xp21.2.
Variant type: single nucleotide variant.
Coding change: c.10394+17T>C on transcript NM_004006.3 (MANE Select); 17 bases into the intron after coding-DNA position 10394, T replaced by C.
Molecular consequence: intron variant.
Genome position (GRCh38, 1-based): chrX:31,172,331, A>G on the plus strand (T>C on the coding strand, the complement: DMD is on the minus strand). VCF-style: chrX-31172331-A-G. GRCh37 (hg19) VCF-style: chrX-31190448-A-G.
Other names: c.10370+17T>C (NM_000109.4); c.6371+17T>C (NM_004011.4); c.6362+17T>C (NM_004012.4); c.2843+6338T>C (NM_004023.3, NM_004020.4); c.2975+17T>C (NM_004022.3); c.3014+17T>C (NM_004021.3, NM_004013.3); c.2207+17T>C (NM_004014.3); c.1151+17T>C (NM_004018.3, NM_004017.3); and 3 more.
Identifiers: ClinVar variation 668473 (VCV000668473.1), dbSNP rs1214433381, ClinGen allele CA641187139.
Genomic context (GRCh38, chrX:31,172,331, plus strand): 5'-TGTGCTATCCTACCTCTAAATCCCTCAAAGCAATTTCATTGTCAGGAACATTTTGTAAAA[A>G]GAGATGGGATACTTACATGCTCTCATTAGGAGAGATGCTATCATTTAGATAAGATCCATT-3'